The following is an entry in ClinVar:

NM_014727.3(KMT2B):c.7160-93G>A

Gene: KMT2B (lysine methyltransferase 2B; plus strand). Cytogenetic location: 19q13.12.
Variant type: single nucleotide variant.
Coding change: c.7160-93G>A on transcript NM_014727.3 (MANE Select); 93 bases into the intron before coding-DNA position 7160, G replaced by A.
Molecular consequence: intron variant.
Genome position (GRCh38, 1-based): chr19:35,736,597, G>A. VCF-style: chr19-35736597-G-A. GRCh37 (hg19) VCF-style: chr19-36227498-G-A.
Identifiers: ClinVar variation 3776068 (VCV003776068.1).

ClinVar aggregate classification (germline): Uncertain significance (1 of 4 stars; one submission).

Conditions:
Dystonia 28, childhood-onset (DYT28). Also called: KMT2B-Related Dystonia (DYT-KMT2B). Identifiers: Orphanet 589618, MedGen C4310633, MONDO:0015004, OMIM 617284.

Submission:

3billion
Classification: Uncertain significance for Dystonia 28, childhood-onset. Last evaluated: 2023-10-30. Review status: criteria provided, single submitter. Criteria: ACMG Guidelines, 2015. Collection method: clinical testing. Allele origin: germline. Affected: yes.
Comment: The variant is not observed in the gnomAD v2.1.1 dataset. Predicted Consequence/Location: Intron variant In silico tools predict the variant to alter splicing and produce an abnormal transcript [SpliceAI: 0.27 (>=0.2, moderate evidence for spliceogenicity)]. Therefore, this variant is classified as VUS according to the recommendation of ACMG/AMP guideline.